The following is an entry in ClinVar:

ClinVar aggregate classification (germline): Uncertain significance (1 of 4 stars; one submission).

Conditions:
ALG9 congenital disorder of glycosylation (CDG1L). Also called: ALG9-CDG; CONGENITAL DISORDER OF GLYCOSYLATION, TYPE Il; CDG Il. Identifiers: Orphanet 79328, MedGen C2931006, MONDO:0012117, OMIM 608776.

Allele frequency attached by ClinVar (database versions not stated): gnomAD exomes 0.00001; ExAC 0.00002; gnomAD 0.00002.
gnomAD v4.1: 11 of 1,612,844 alleles (0.00068%); highest among the groups gnomAD compares: Admixed American, 0.0067%; no homozygotes.

Submission:

Labcorp Genetics (formerly Invitae), Labcorp
Classification: Uncertain significance for ALG9 congenital disorder of glycosylation. Last evaluated: 2023-04-14. Review status: criteria provided, single submitter. Criteria: Invitae Variant Classification Sherloc (09022015). Collection method: clinical testing. Allele origin: germline.
Comment: In summary, the available evidence is currently insufficient to determine the role of this variant in disease. Therefore, it has been classified as a Variant of Uncertain Significance. Experimental studies and prediction algorithms are not available or were not evaluated, and the functional significance of this variant is currently unknown. ClinVar contains an entry for this variant (Variation ID: 2177225). This variant has not been reported in the literature in individuals affected with ALG9-related conditions. This variant is present in population databases (rs782818511, gnomAD 0.003%). This sequence change replaces valine, which is neutral and non-polar, with alanine, which is neutral and non-polar, at codon 161 of the ALG9 protein (p.Val161Ala).

NM_024740.2(ALG9):c.482T>C (p.Val161Ala)

Gene: ALG9 (ALG9 alpha-1,2-mannosyltransferase; minus strand). Cytogenetic location: 11q23.1.
Variant type: single nucleotide variant.
Coding change: c.482T>C on transcript NM_024740.2 (MANE Select); coding-DNA position 482, T replaced by C.
Protein change: p.Val161Ala; replaces valine 161 with alanine.
Molecular consequence: missense variant. On other transcripts: 5 prime UTR variant (15), non-coding transcript variant (1).
Genome position (GRCh38, 1-based): chr11:111,860,630, A>G on the plus strand (T>C on the coding strand, the complement: ALG9 is on the minus strand). VCF-style: chr11-111860630-A-G. GRCh37 (hg19) VCF-style: chr11-111731353-A-G.
Other names: c.482T>C, p.Val161Ala (NM_001077690.1, NM_001352417.1, NM_001352418.1); c.-32T>C (NM_001077691.2, NM_001077692.2, NM_001352409.1 and 11 more transcripts); c.-250T>C (NM_001352422.2); short protein forms V161A.
Identifiers: ClinVar variation 2177225 (VCV002177225.4), dbSNP rs782818511, ClinGen allele CA6274655.